The following is an entry in ClinVar:

ClinVar aggregate classification (germline): Pathogenic (1 of 4 stars; one submission).

Submission:

Labcorp Genetics (formerly Invitae), Labcorp
Classification: Pathogenic. Last evaluated: 2020-11-14. Review status: criteria provided, single submitter. Criteria: Invitae Variant Classification Sherloc (09022015). Collection method: clinical testing. Allele origin: germline.
Comment: This sequence change creates a premature translational stop signal (p.Arg463Lysfs*23) in the PHEX gene. It is expected to result in an absent or disrupted protein product. Loss-of-function variants in PHEX are known to be pathogenic (PMID: 9097956, 9106524, 19219621). For these reasons, this variant has been classified as Pathogenic. This variant has been observed in individual(s) with hypophosphatemia (Invitae). This variant is not present in population databases (ExAC no frequency).

Literature cited by the submitters: PubMed 9097956; PubMed 9106524; PubMed 19219621.

NM_000444.6(PHEX):c.1387dup (p.Arg463fs)

Gene: PHEX (phosphate regulating endopeptidase X-linked; plus strand). Cytogenetic location: Xp22.11.
Variant type: Duplication.
Coding change: c.1387dup on transcript NM_000444.6 (MANE Select); coding-DNA position 1387, one base duplicated (A; older notation c.1387dupA).
Protein change: p.Arg463fs; shifts the reading frame from arginine 463.
Molecular consequence: frameshift variant.
Genome position (GRCh38, 1-based): chrX:22,133,607, A duplicated; the last of 4 consecutive A bases (chrX:22,133,604-22,133,607); duplicating any one gives the same sequence. VCF-style (leftmost placement, unchanged base first): chrX-22133603-G-GA. GRCh37 (hg19) VCF-style: chrX-22151720-G-GA.
Other names: c.1387dup, p.Arg463fs (NM_001282754.2); short protein forms R463fs.
Identifiers: ClinVar variation 1411020 (VCV001411020.8), dbSNP rs1932109241, ClinGen allele CA2573158531.
Genomic context (GRCh38, chrX:22,133,603, plus strand): 5'-CGTTCGCTGGGCCTTTATTGACATGCTAGAGAAAGAAAATGAGTGGATGGATGCAGGAAC[G>GA]AAAAGGAAAGCCAAAGAAAAGGTAAGGATTCCTTTTGATGAAAAAAAAATAAGACTTCTG-3'